The following is an entry in ClinVar:

NM_006372.5(SYNCRIP):c.1529G>A (p.Arg510Lys)

Gene: SYNCRIP (synaptotagmin binding cytoplasmic RNA interacting protein; minus strand). Cytogenetic location: 6q14.3.
Variant type: single nucleotide variant.
Coding change: c.1529G>A on transcript NM_006372.5 (MANE Select); coding-DNA position 1529, G replaced by A.
Protein change: p.Arg510Lys; replaces arginine 510 with lysine.
Molecular consequence: missense variant.
Genome position (GRCh38, 1-based): chr6:85,615,099, C>T on the plus strand (G>A on the coding strand, the complement: SYNCRIP is on the minus strand). VCF-style: chr6-85615099-C-T. GRCh37 (hg19) VCF-style: chr6-86324817-C-T.
Other names: c.1235G>A, p.Arg412Lys (NM_001159673.2, NM_001410938.1); c.1424G>A, p.Arg475Lys (NM_001159674.2, NM_001159675.2); c.1529G>A, p.Arg510Lys (NM_001159676.2, NM_001159677.2); c.1073G>A, p.Arg358Lys (NM_001253771.2); short protein forms R358K, R412K, R475K, R510K.
Identifiers: ClinVar variation 3360717 (VCV003360717.1).

ClinVar aggregate classification (germline): Uncertain significance (1 of 4 stars; one submission).

Submission:

GeneDx
Classification: Uncertain significance. Last evaluated: 2023-06-30. Review status: criteria provided, single submitter. Criteria: GeneDx Variant Classification Process June 2021. Collection method: clinical testing. Allele origin: germline. Affected: yes.
Comment: Not observed at significant frequency in large population cohorts (gnomAD); In silico analysis supports that this missense variant does not alter protein structure/function; Has not been previously published as pathogenic or benign to our knowledge